The following is an entry in ClinVar:

ClinVar aggregate classification (germline): Uncertain significance. Review status: criteria provided, multiple submitters, no conflicts (2 of 4 stars). 4 submissions from 4 submitters: Uncertain significance (4). Last evaluated 2025-10-27.

Conditions:
LIG4-related disorder. Also called: LIG4-related condition; LIG4-related disorders. Identifiers: MedGen CN239380.
DNA ligase IV deficiency. Identifiers: Orphanet 99812, MedGen C1847827, MONDO:0011686, OMIM 606593.
Multiple myeloma (MM). Also called: Multiple myeloma, somatic; Plasma cell myeloma. Identifiers: Orphanet 29073, Orphanet 85443, MedGen C0026764, MeSH D009101, MONDO:0009693, OMIM 254500, HP:0006775.

Allele frequency attached by ClinVar (database versions not stated): ExAC 0.00013; gnomAD exomes 0.00016 and 0.00031; gnomAD 0.00021; TOPMed 0.00021; ESP Exome Variant Server 0.00023.

Submissions (4):

PreventionGenetics, part of Exact Sciences
Classification: Uncertain significance for LIG4-related condition. Last evaluated: 2025-10-27. Review status: criteria provided, single submitter. Criteria: ACMG Guidelines, 2015. Collection method: clinical testing. Allele origin: germline.
Comment: The LIG4 c.898G>A variant is predicted to result in the amino acid substitution p.Asp300Asn. To our knowledge, this variant has not been reported in the literature. This variant is reported in 0.029% of alleles in individuals of European (Non-Finnish) descent in gnomAD. At this time, the clinical significance of this variant is uncertain due to the absence of conclusive functional and genetic evidence.

Labcorp Genetics (formerly Invitae), Labcorp
Classification: Uncertain significance for DNA ligase IV deficiency. Last evaluated: 2022-07-05. Review status: criteria provided, single submitter. Criteria: Invitae Variant Classification Sherloc (09022015). Collection method: clinical testing. Allele origin: germline.
Comment: This sequence change replaces aspartic acid, which is acidic and polar, with asparagine, which is neutral and polar, at codon 300 of the LIG4 protein (p.Asp300Asn). This variant is present in population databases (rs143810759, gnomAD 0.03%). This variant has not been reported in the literature in individuals affected with LIG4-related conditions. ClinVar contains an entry for this variant (Variation ID: 373676). Algorithms developed to predict the effect of missense changes on protein structure and function (SIFT, PolyPhen-2, Align-GVGD) all suggest that this variant is likely to be tolerated. In summary, the available evidence is currently insufficient to determine the role of this variant in disease. Therefore, it has been classified as a Variant of Uncertain Significance.

Department of Pathology and Laboratory Medicine, Sinai Health System
Classification: Uncertain significance for Multiple myeloma; DNA ligase IV deficiency. Last evaluated: 2021-09-17. Review status: criteria provided, single submitter. Criteria: ACMG Guidelines, 2015. Collection method: research. Allele origin: germline.

GeneDx
Classification: Uncertain significance. Last evaluated: 2016-12-01. Review status: criteria provided, single submitter. Criteria: GeneDx Variant Classification (06012015). Collection method: clinical testing. Allele origin: germline. Affected: yes.
Comment: The D300N variant in the LIG4 gene has not been published as a pathogenic variant, nor has it been reported as a benign variant to our knowledge. The variant was not observed at any significant frequency in approximately 6,500 individuals of European and African American ancestry in the NHLBI Exome Sequencing Project, indicating it is not a common benign variant in these populations. D300N is a semi-conservative amino acid substitution, which may impact secondary protein structure as these residues differ in some properties. However, this substitution occurs at a position that is not conserved, and in silico analysis predicts this variant likely does not alter the protein structure/function. Therefore, based on the currently available information, it is unclear whether this variant is a pathogenic variant or a rare benign variant.

NM_206937.2(LIG4):c.898G>A (p.Asp300Asn)

Gene: LIG4 (DNA ligase 4; minus strand). Cytogenetic location: 13q33.3.
Variant type: single nucleotide variant.
Coding change: c.898G>A on transcript NM_206937.2 (MANE Select); coding-DNA position 898, G replaced by A.
Protein change: p.Asp300Asn; replaces aspartic acid 300 with asparagine.
Molecular consequence: missense variant.
Genome position (GRCh38, 1-based): chr13:108,210,371, C>T on the plus strand (G>A on the coding strand, the complement: LIG4 is on the minus strand). VCF-style: chr13-108210371-C-T. GRCh37 (hg19) VCF-style: chr13-108862719-C-T.
Other names: c.898G>A, p.Asp300Asn (NM_001098268.2, NM_001352598.2, NM_001352599.2 and 6 more transcripts); c.697G>A, p.Asp233Asn (NM_001330595.2); c.934G>A, p.Asp312Asn (NM_001352604.2); short protein forms D300N, D233N, D312N.
Identifiers: ClinVar variation 373676 (VCV000373676.9), dbSNP rs143810759, ClinGen allele CA7043783.
Genomic context (GRCh38, chr13:108,210,371, plus strand): 5'-TGAATGCATTATGAATGAATGGGGTAAGAGAACCTTCAGTAGGAGAAGCACCAAACTGAT[C>T]AGTGTAGTTATATCCATTTCGAGAGAAGTATTTATATACATCTCCATCTTTGTGCATTTG-3'
Protein context (NP_996820.1, residues 290-310): YFSRNGYNYT[Asp300Asn]QFGASPTEGS